The following is an entry in ClinVar:

NM_000214.3(JAG1):c.981G>C (p.Gly327=)

Gene: JAG1 (jagged canonical Notch ligand 1; minus strand). Cytogenetic location: 20p12.2.
Variant type: single nucleotide variant.
Coding change: c.981G>C on transcript NM_000214.3 (MANE Select); coding-DNA position 981, G replaced by C.
Protein change: p.Gly327=; no amino-acid change (glycine 327 retained).
Molecular consequence: synonymous variant.
Genome position (GRCh38, 1-based): chr20:10,652,156, C>G on the plus strand (G>C on the coding strand, the complement: JAG1 is on the minus strand). VCF-style: chr20-10652156-C-G. GRCh37 (hg19) VCF-style: chr20-10632804-C-G.
Identifiers: ClinVar variation 3573411 (VCV003573411.2).

Conditions:
Arteriohepatic dysplasia. Also called: Alagille Syndrome. Identifiers: Orphanet 52, MedGen C0085280, MeSH D016738, MONDO:0007318.

Submission:

Gilbert/Spinner Lab, Children's Hospital of Philadelphia
No classification provided (evidence only). Condition: Alagille syndrome. Review status: no classification provided. Collection method: research. Allele origin: not applicable. Functional consequence: functionally_abnormal.
ClinVar note: "not provided" was previously submitted as the classification for the variant. However, the classification appeared to be based only on an observation of functional data so it was converted to no classification on 2025-07-30.